The following is an entry in ClinVar:

ClinVar aggregate classification (germline): Uncertain significance (1 of 4 stars; one submission).

Submission:

Labcorp Genetics (formerly Invitae), Labcorp
Classification: Uncertain significance. Last evaluated: 2021-05-26. Review status: criteria provided, single submitter. Criteria: Invitae Variant Classification Sherloc (09022015). Collection method: clinical testing. Allele origin: germline.
Comment: In summary, the available evidence is currently insufficient to determine the role of this variant in disease. Therefore, it has been classified as a Variant of Uncertain Significance. This sequence change replaces phenylalanine with leucine at codon 270 of the STAT4 protein (p.Phe270Leu). The phenylalanine residue is moderately conserved and there is a small physicochemical difference between phenylalanine and leucine. This variant is not present in population databases (ExAC no frequency). This variant has not been reported in the literature in individuals with STAT4-related conditions. Algorithms developed to predict the effect of missense changes on protein structure and function (SIFT, PolyPhen-2, Align-GVGD) all suggest that this variant is likely to be tolerated, but these predictions have not been confirmed by published functional studies and their clinical significance is uncertain.

NM_003151.4(STAT4):c.810C>A (p.Phe270Leu)

Gene: STAT4 (signal transducer and activator of transcription 4; minus strand). Cytogenetic location: 2q32.2.
Variant type: single nucleotide variant.
Coding change: c.810C>A on transcript NM_003151.4 (MANE Select); coding-DNA position 810, C replaced by A.
Protein change: p.Phe270Leu; replaces phenylalanine 270 with leucine.
Molecular consequence: missense variant.
Genome position (GRCh38, 1-based): chr2:191,062,893, G>T on the plus strand (C>A on the coding strand, the complement: STAT4 is on the minus strand). VCF-style: chr2-191062893-G-T. GRCh37 (hg19) VCF-style: chr2-191927619-G-T.
Other names: c.810C>A, p.Phe270Leu (NM_001243835.2); short protein forms F270L.
Identifiers: ClinVar variation 1397310 (VCV001397310.8), dbSNP rs1285476035, ClinGen allele CA349916024.